The following is an entry in ClinVar:

ClinVar aggregate classification (germline): Uncertain significance (1 of 4 stars; one submission).

Conditions:
MBD5-related disorder. Also called: MBD5-related condition.

Submission:

PreventionGenetics, part of Exact Sciences
Classification: Uncertain significance for MBD5-related condition. Last evaluated: 2025-12-02. Review status: criteria provided, single submitter. Criteria: ACMG Guidelines, 2015. Collection method: clinical testing. Allele origin: germline.
Comment: The MBD5 c.3121C>G variant is predicted to result in the amino acid substitution p.Leu1041Val. To our knowledge, this variant has not been reported in the literature or in a large population database (gnomAD), indicating this variant is rare. At this time, the clinical significance of this variant is uncertain due to the absence of conclusive functional and genetic evidence.

NM_001378120.1(MBD5):c.3820C>G (p.Leu1274Val)

Gene: MBD5 (methyl-CpG binding domain protein 5; plus strand). Cytogenetic location: 2q23.1.
Variant type: single nucleotide variant.
Coding change: c.3820C>G on transcript NM_001378120.1 (MANE Select); coding-DNA position 3820, C replaced by G.
Protein change: p.Leu1274Val; replaces leucine 1274 with valine.
Molecular consequence: missense variant.
Genome position (GRCh38, 1-based): chr2:148,489,452, C>G. VCF-style: chr2-148489452-C-G. GRCh37 (hg19) VCF-style: chr2-149247021-C-G.
Other names: c.3820C>G, p.Leu1274Val (NM_001438854.1, NM_001438856.1, NM_001438857.1 and 1 more transcripts); c.3121C>G, p.Leu1041Val (NM_001438855.1, NM_001438859.1, NM_001438860.1 and 3 more transcripts); short protein forms L1274V, L1041V.
Identifiers: ClinVar variation 4995247 (VCV004995247.1).